The following is an entry in ClinVar:

NM_014324.6(AMACR):c.149A>G (p.Lys50Arg)

Genes: AMACR (alpha-methylacyl-CoA racemase; minus strand), C1QTNF3-AMACR (C1QTNF3-AMACR readthrough (NMD candidate); minus strand). Cytogenetic location: 5p13.2.
Variant type: single nucleotide variant.
Coding change: c.149A>G on transcript NM_014324.6 (MANE Select); coding-DNA position 149, A replaced by G.
Protein change: p.Lys50Arg; replaces lysine 50 with arginine.
Molecular consequence: missense variant.
Genome position (GRCh38, 1-based): chr5:34,007,871, T>C on the plus strand (A>G on the coding strand, the complement: AMACR is on the minus strand). VCF-style: chr5-34007871-T-C. GRCh37 (hg19) VCF-style: chr5-34007976-T-C.
Other names: c.149A>G, p.Lys50Arg (NM_001167595.2, NM_203382.3); short protein forms K50R.
Identifiers: ClinVar variation 1710050 (VCV001710050.16), dbSNP rs1361002006, ClinGen allele CA359385236.

ClinVar aggregate classification (germline): Uncertain significance. Review status: criteria provided, multiple submitters, no conflicts (2 of 4 stars). 2 submissions from 2 submitters: Uncertain significance (2). Last evaluated 2024-10-01.

Conditions:
Alpha-methylacyl-CoA racemase deficiency (AMACRD). Also called: AMACR deficiency. Identifiers: Orphanet 79095, MedGen C3280428, MONDO:0013681, OMIM 614307. Disease mechanism: loss of function.

Allele frequency attached by ClinVar (database versions not stated): gnomAD exomes below 0.00001; TOPMed below 0.00001.
gnomAD v4.1: 3 of 1,592,586 alleles (0.00019%); highest among the groups gnomAD compares: East Asian, 0.0045%; no homozygotes.

Submissions (2):

CeGaT Center for Human Genetics Tuebingen
Classification: Uncertain significance. Last evaluated: 2024-10-01. Review status: criteria provided, single submitter. Criteria: CeGaT Center For Human Genetics Tuebingen Variant Classification Criteria Version 2. Collection method: clinical testing. Allele origin: germline. Affected: yes. Observed: 1 variant allele.
Comment: AMACR: PM2, PP4

MGZ Medical Genetics Center
Classification: Uncertain significance for Alpha-methylacyl-CoA racemase deficiency. Last evaluated: 2021-10-21. Review status: criteria provided, single submitter. Criteria: ACMG Guidelines, 2015. Collection method: clinical testing. Allele origin: germline. Affected: yes. Observed: 1 variant allele.
Comment: ACMG criteria applied: PM3, PM2_SUP, BP4